The following is an entry in ClinVar:

NM_201384.3(PLEC):c.9337A>G (p.Ser3113Gly)

Gene: PLEC (plectin; minus strand). Cytogenetic location: 8q24.3.
Variant type: single nucleotide variant.
Coding change: c.9337A>G on transcript NM_201384.3 (MANE Select); coding-DNA position 9337, A replaced by G.
Protein change: p.Ser3113Gly; replaces serine 3113 with glycine.
Molecular consequence: missense variant.
Genome position (GRCh38, 1-based): chr8:143,920,484, T>C on the plus strand (A>G on the coding strand, the complement: PLEC is on the minus strand). VCF-style: chr8-143920484-T-C. GRCh37 (hg19) VCF-style: chr8-144994652-T-C.
Other names: c.9418A>G, p.Ser3140Gly (NM_000445.5); c.6037A>G, p.Ser2013Gly (NM_001410941.1); c.9295A>G, p.Ser3099Gly (NM_201378.4); c.9271A>G, p.Ser3091Gly (NM_201379.3); c.9748A>G, p.Ser3250Gly (NM_201380.4); c.9241A>G, p.Ser3081Gly (NM_201381.3); c.9337A>G, p.Ser3113Gly (NM_201382.4); c.9349A>G, p.Ser3117Gly (NM_201383.3); short protein forms S2013G, S3117G, S3091G, S3113G, S3140G, S3250G, S3081G, S3099G.
Identifiers: ClinVar variation 2017045 (VCV002017045.5), dbSNP rs2537369839, ClinGen allele CA372510526.

ClinVar aggregate classification (germline): Uncertain significance. Review status: criteria provided, multiple submitters, no conflicts (2 of 4 stars). 2 submissions from 2 submitters: Uncertain significance (2). Last evaluated 2023-04-24.

Conditions:
Epidermolysis bullosa simplex 5B, with muscular dystrophy (EBS5B). Also called: Epidermolysis bullosa simplex with muscular dystrophy; EPIDERMOLYSIS BULLOSA SIMPLEX AND LIMB-GIRDLE MUSCULAR DYSTROPHY. Identifiers: Orphanet 257, MedGen C2931072, MONDO:0009181, OMIM 226670.
Epidermolysis bullosa simplex, Ogna type (EBS5A). Also called: Pidermolysis bullosa simplex 5A, Ogna type; EPIDERMOLYSIS BULLOSA SIMPLEX 5A, OGNA TYPE. Identifiers: Orphanet 79401, MedGen C0432317, MONDO:0007555, OMIM 131950.
Epidermolysis bullosa simplex 5C, with pyloric atresia (EBS5C). Also called: PLEC-Related Epidermolysis Bullosa with Pyloric Atresia; Epidermolysis bullosa simplex with pyloric atresia; PLEC1-Related Epidermolysis Bullosa with Pyloric Atresia. Identifiers: Orphanet 158684, MedGen C2677349, MONDO:0012807, OMIM 612138.
Autosomal recessive limb-girdle muscular dystrophy type 2Q (LGMDR17). Also called: MUSCULAR DYSTROPHY, LIMB-GIRDLE, AUTOSOMAL RECESSIVE 17. Identifiers: Orphanet 254361, MedGen C3150989, MONDO:0013390, OMIM 613723.
Epidermolysis bullosa simplex with nail dystrophy (EBS5D). Identifiers: MedGen C4225309, MONDO:0014661, OMIM 616487.
Inborn genetic diseases. Identifiers: MedGen C0950123, MeSH D030342.

Submissions (2):

Labcorp Genetics (formerly Invitae), Labcorp
Classification: Uncertain significance for Autosomal recessive limb-girdle muscular dystrophy type 2Q; Epidermolysis bullosa simplex, Ogna type; Epidermolysis bullosa simplex with nail dystrophy; Epidermolysis bullosa simplex 5C, with pyloric atresia; Epidermolysis bullosa simplex 5B, with muscular dystrophy. Last evaluated: 2023-04-24. Review status: criteria provided, single submitter. Criteria: Invitae Variant Classification Sherloc (09022015). Collection method: clinical testing. Allele origin: germline.
Comment: This sequence change replaces serine, which is neutral and polar, with glycine, which is neutral and non-polar, at codon 3140 of the PLEC protein (p.Ser3140Gly). This variant is not present in population databases (gnomAD no frequency). In summary, the available evidence is currently insufficient to determine the role of this variant in disease. Therefore, it has been classified as a Variant of Uncertain Significance. An algorithm developed to predict the effect of missense changes on protein structure and function (PolyPhen-2) suggests that this variant is likely to be disruptive. ClinVar contains an entry for this variant (Variation ID: 2017045). This variant has not been reported in the literature in individuals affected with PLEC-related conditions.

Ambry Genetics
Classification: Uncertain significance for Inborn genetic diseases. Last evaluated: 2022-07-26. Review status: criteria provided, single submitter. Criteria: Ambry Variant Classification Scheme 2023. Collection method: clinical testing. Allele origin: germline.